The following is an entry in ClinVar:

ClinVar aggregate classification (germline): Uncertain significance (1 of 4 stars; one submission).

Allele frequency attached by ClinVar (database versions not stated): gnomAD exomes below 0.00001 and 0.00001; gnomAD 0.00001; ExAC 0.00002; TOPMed 0.00003.

Submission:

Labcorp Genetics (formerly Invitae), Labcorp
Classification: Uncertain significance. Last evaluated: 2021-12-02. Review status: criteria provided, single submitter. Criteria: Invitae Variant Classification Sherloc (09022015). Collection method: clinical testing. Allele origin: germline.
Comment: Algorithms developed to predict the effect of missense changes on protein structure and function are either unavailable or do not agree on the potential impact of this missense change (SIFT: "Deleterious"; PolyPhen-2: "Probably Damaging"; Align-GVGD: "Class C15"). In summary, the available evidence is currently insufficient to determine the role of this variant in disease. Therefore, it has been classified as a Variant of Uncertain Significance. This variant has not been reported in the literature in individuals affected with ARHGAP31-related conditions. This sequence change replaces arginine, which is basic and polar, with cysteine, which is neutral and slightly polar, at codon 312 of the ARHGAP31 protein (p.Arg312Cys). This variant is present in population databases (rs747656695, gnomAD 0.004%).

NM_020754.4(ARHGAP31):c.934C>T (p.Arg312Cys)

Gene: ARHGAP31 (Rho GTPase activating protein 31; plus strand). Cytogenetic location: 3q13.33.
Variant type: single nucleotide variant.
Coding change: c.934C>T on transcript NM_020754.4 (MANE Select); coding-DNA position 934, C replaced by T.
Protein change: p.Arg312Cys; replaces arginine 312 with cysteine.
Molecular consequence: missense variant.
Genome position (GRCh38, 1-based): chr3:119,393,519, C>T. VCF-style: chr3-119393519-C-T. GRCh37 (hg19) VCF-style: chr3-119112366-C-T.
Other names: short protein forms R312C.
Identifiers: ClinVar variation 1375761 (VCV001375761.6), dbSNP rs747656695, ClinGen allele CA2553725.